The following is an entry in ClinVar:

ClinVar aggregate classification (germline): Uncertain significance. Review status: criteria provided, multiple submitters, no conflicts (2 of 4 stars). 2 submissions from 2 submitters: Uncertain significance (2). Last evaluated 2023-11-01.

Submissions (2):

Labcorp Genetics (formerly Invitae), Labcorp
Classification: Uncertain significance. Last evaluated: 2023-11-01. Review status: criteria provided, single submitter. Criteria: Invitae Variant Classification Sherloc (09022015). Collection method: clinical testing. Allele origin: germline.
Comment: This variant, c.1841_1843del, results in the deletion of 1 amino acid(s) of the LZTR1 protein (p.Met614del), but otherwise preserves the integrity of the reading frame. This variant is not present in population databases (gnomAD no frequency). This variant has not been reported in the literature in individuals affected with LZTR1-related conditions. ClinVar contains an entry for this variant (Variation ID: 1331007). Experimental studies and prediction algorithms are not available or were not evaluated, and the functional significance of this variant is currently unknown. In summary, the available evidence is currently insufficient to determine the role of this variant in disease. Therefore, it has been classified as a Variant of Uncertain Significance.

ARUP Laboratories, Molecular Genetics and Genomics, ARUP Laboratories
Classification: Uncertain significance. Last evaluated: 2021-02-28. Review status: criteria provided, single submitter. Criteria: ARUP Molecular Germline Variant Investigation Process 2021. Collection method: clinical testing. Allele origin: germline.
Comment: The LZTR1 c.1841_1843delTGA; p.Met614del variant (rs1206305529), to our knowledge, is not reported in the medical literature or gene-specific databases. This variant is also absent from general population databases (Exome Variant Server, Genome Aggregation Database), indicating it is not a common polymorphism. This variant deletes a single methionine residue, leaving the rest of the protein in-frame. However, given the lack of clinical and functional data, the significance of the p.Met614del variant is uncertain at this time.

NM_006767.4(LZTR1):c.1838TGA[1] (p.Met614del)

Gene: LZTR1 (leucine zipper like post translational regulator 1; plus strand). Cytogenetic location: 22q11.21.
Variant type: Microsatellite.
Coding change: c.1838TGA[1] on transcript NM_006767.4 (MANE Select); one copy of the 3-base unit TGA starting at c.1838; the reference has two copies in a row; one copy, 3 bases deleted.
Protein change: p.Met614del; deletes methionine 614.
Molecular consequence: inframe deletion.
Genome position (GRCh38, 1-based): chr22:20,994,925-20,994,927, TGA deleted; deleting any 3 consecutive bases within chr22:20,994,921-20,994,927 gives the same sequence; the position shown is the placement nearest the transcript's 3' end. VCF-style (leftmost placement, unchanged base first): chr22-20994920-CATG-C. GRCh37 (hg19) VCF-style: chr22-21349209-CATG-C.
Other names: short protein forms M614del.
Identifiers: ClinVar variation 1331007 (VCV001331007.10), dbSNP rs1206305529, ClinGen allele CA751567227.